The following is an entry in ClinVar:

NM_002582.4(PARN):c.625C>G (p.Gln209Glu)

Gene: PARN (poly(A)-specific ribonuclease; minus strand). Cytogenetic location: 16p13.12.
Variant type: single nucleotide variant.
Coding change: c.625C>G on transcript NM_002582.4 (MANE Select); coding-DNA position 625, C replaced by G.
Protein change: p.Gln209Glu; replaces glutamine 209 with glutamic acid.
Molecular consequence: missense variant.
Genome position (GRCh38, 1-based): chr16:14,608,315, G>C on the plus strand (C>G on the coding strand, the complement: PARN is on the minus strand). VCF-style: chr16-14608315-G-C. GRCh37 (hg19) VCF-style: chr16-14702172-G-C.
Other names: c.442C>G, p.Gln148Glu (NM_001134477.3); c.487C>G, p.Gln163Glu (NM_001242992.2); short protein forms Q163E, Q148E, Q209E.
Identifiers: ClinVar variation 1447534 (VCV001447534.8), dbSNP rs190870967, ClinGen allele CA278532479.
Genomic context (GRCh38, chr16:14,608,315, plus strand): 5'-CTGCTGCATACAATATAAATACTTACTTCCAGCTCAAAGTCTGATAAATTAGTTTTCTTT[G>C]GAACCTATAAAAACAAAAGAAAAGGTATTGATTTTGGCTCATTAGAAGTAAATCCAAACT-3'
Protein context (NP_002573.1, residues 199-219): NLDLEPCTGF[Gln209Glu]RKLIYQTLSW

ClinVar aggregate classification (germline): Uncertain significance (1 of 4 stars; one submission).

Conditions:
Dyskeratosis congenita, autosomal recessive 6 (DKCB6). Identifiers: MedGen C4225356, MONDO:0014600, OMIM 616353.
Pulmonary fibrosis and/or bone marrow failure, Telomere-related, 4. Also called: PULMONARY FIBROSIS AND/OR BONE MARROW FAILURE SYNDROME, TELOMERE-RELATED, 4. Identifiers: Orphanet 2032, MedGen C4225347, MONDO:0014612, OMIM 616371.

Allele frequency attached by ClinVar (database versions not stated): gnomAD 0.00001; gnomAD exomes 0.00001; 1000 Genomes Project 30x 0.00016; 1000 Genomes Project 0.00020.
gnomAD v4.1: 9 of 1,532,700 alleles (0.00059%); highest among the groups gnomAD compares: East Asian, 0.022%; no homozygotes.

Submission:

Labcorp Genetics (formerly Invitae), Labcorp
Classification: Uncertain significance for Dyskeratosis congenita, autosomal recessive 6; Pulmonary fibrosis and/or bone marrow failure, Telomere-related, 4. Last evaluated: 2021-05-27. Review status: criteria provided, single submitter. Criteria: Invitae Variant Classification Sherloc (09022015). Collection method: clinical testing. Allele origin: germline.
Comment: Algorithms developed to predict the effect of missense changes on protein structure and function are either unavailable or do not agree on the potential impact of this missense change (SIFT: "Tolerated"; PolyPhen-2: "Possibly Damaging"; Align-GVGD: "Class C0"). In summary, the available evidence is currently insufficient to determine the role of this variant in disease. Therefore, it has been classified as a Variant of Uncertain Significance. This variant has not been reported in the literature in individuals with PARN-related conditions. This variant is not present in population databases (ExAC no frequency). This sequence change replaces glutamine with glutamic acid at codon 209 of the PARN protein (p.Gln209Glu). The glutamine residue is highly conserved and there is a small physicochemical difference between glutamine and glutamic acid.